The following is an entry in ClinVar:

ClinVar aggregate classification (germline): Likely benign (1 of 4 stars; one submission).

Submission:

CeGaT Center for Human Genetics Tuebingen
Classification: Likely benign. Last evaluated: 2026-01-01. Review status: criteria provided, single submitter. Criteria: CeGaT Center For Human Genetics Tuebingen Variant Classification Criteria Version 2. Collection method: clinical testing. Allele origin: germline. Affected: yes. Observed: 1 variant allele.
Comment: NAGA: PM2:Supporting, BP4, BP7

NM_000262.3(NAGA):c.198A>G (p.Gly66=)

Genes: NAGA (alpha-N-acetylgalactosaminidase; minus strand), LOC126863160 (CDK7 strongly-dependent group 2 enhancer GRCh37_chr22:42462918-42464117; plus strand). Cytogenetic location: 22q13.2.
Variant type: single nucleotide variant.
Coding change: c.198A>G on transcript NM_000262.3 (MANE Select); coding-DNA position 198, A replaced by G.
Protein change: p.Gly66=; no amino-acid change (glycine 66 retained).
Molecular consequence: synonymous variant.
Genome position (GRCh38, 1-based): chr22:42,067,891, T>C on the plus strand (A>G on the coding strand, the complement: NAGA is on the minus strand). VCF-style: chr22-42067891-T-C. GRCh37 (hg19) VCF-style: chr22-42463895-T-C.
Other names: c.198A>G, p.Gly66= (NM_001362848.1, NM_001362850.1).
Identifiers: ClinVar variation 4822776 (VCV004822776.4).